The following is an entry in ClinVar:

NM_194248.3(OTOF):c.4459A>G (p.Asn1487Asp)

Gene: OTOF (otoferlin; minus strand). Cytogenetic location: 2p23.3.
Variant type: single nucleotide variant.
Coding change: c.4459A>G on transcript NM_194248.3 (MANE Select); coding-DNA position 4459, A replaced by G.
Protein change: p.Asn1487Asp; replaces asparagine 1487 with aspartic acid.
Molecular consequence: missense variant.
Genome position (GRCh38, 1-based): chr2:26,466,755, T>C on the plus strand (A>G on the coding strand, the complement: OTOF is on the minus strand). VCF-style: chr2-26466755-T-C. GRCh37 (hg19) VCF-style: chr2-26689623-T-C.
Other names: c.4459A>G, p.Asn1487Asp (NM_001287489.2); c.2158A>G, p.Asn720Asp (NM_004802.4, NM_194323.3); c.2389A>G, p.Asn797Asp (NM_194322.3); short protein forms N1487D, N720D, N797D.
Identifiers: ClinVar variation 1327761 (VCV001327761.2), dbSNP rs376771750, ClinGen allele CA44413170.

ClinVar aggregate classification (germline): Uncertain significance (1 of 4 stars; one submission).

Allele frequency attached by ClinVar (database versions not stated): gnomAD exomes below 0.00001 and 0.00001; TOPMed 0.00005; gnomAD 0.00007 and 0.00009; ESP Exome Variant Server 0.00008.
gnomAD v4.1: 24 of 1,614,106 alleles (0.0015%); highest among the groups gnomAD compares: African/African-American, 0.031%; no homozygotes.

Submission:

GeneDx
Classification: Uncertain significance. Last evaluated: 2021-06-07. Review status: criteria provided, single submitter. Criteria: GeneDx Variant Classification Process June 2021. Collection method: clinical testing. Allele origin: germline. Affected: yes.
Comment: In silico analysis supports that this missense variant has a deleterious effect on protein structure/function; Has not been previously published as pathogenic or benign to our knowledge; This variant is associated with the following publications: (PMID: 27535533)